The following is an entry in ClinVar:

ClinVar aggregate classification (germline): Uncertain significance (1 of 4 stars; one submission).

Conditions:
Osteogenesis imperfecta type I (OI1). Also called: Classic Non-deforming Osteogenesis Imperfecta with Blue Sclerae; OI, TYPE I; OSTEOGENESIS IMPERFECTA TARDA; OSTEOGENESIS IMPERFECTA WITH BLUE SCLERAE; Osteogenesis imperfecta type 1; Lobstein's Disease. Identifiers: Orphanet 216796, Orphanet 666, MedGen C0023931, MONDO:0008146, OMIM 166200. Disease mechanism: loss of function.

Submission:

Labcorp Genetics (formerly Invitae), Labcorp
Classification: Uncertain significance for Osteogenesis imperfecta type I. Last evaluated: 2023-10-13. Review status: criteria provided, single submitter. Criteria: Invitae Variant Classification Sherloc (09022015). Collection method: clinical testing. Allele origin: germline.
Comment: This sequence change replaces proline, which is neutral and non-polar, with histidine, which is basic and polar, at codon 249 of the COL1A1 protein (p.Pro249His). This variant is not present in population databases (gnomAD no frequency). This variant has not been reported in the literature in individuals affected with COL1A1-related conditions. Advanced modeling of protein sequence and biophysical properties (such as structural, functional, and spatial information, amino acid conservation, physicochemical variation, residue mobility, and thermodynamic stability) performed at Invitae indicates that this missense variant is expected to disrupt COL1A1 protein function. In summary, the available evidence is currently insufficient to determine the role of this variant in disease. Therefore, it has been classified as a Variant of Uncertain Significance.

NM_000088.4(COL1A1):c.746C>A (p.Pro249His)

Genes: COL1A1 (collagen type I alpha 1 chain; minus strand), LOC126862586 (CDK7 strongly-dependent group 2 enhancer GRCh37_chr17:48273702-48274901; plus strand). Cytogenetic location: 17q21.33.
Variant type: single nucleotide variant.
Coding change: c.746C>A on transcript NM_000088.4 (MANE Select); coding-DNA position 746, C replaced by A.
Protein change: p.Pro249His; replaces proline 249 with histidine.
Molecular consequence: missense variant.
Genome position (GRCh38, 1-based): chr17:50,197,184, G>T on the plus strand (C>A on the coding strand, the complement: COL1A1 is on the minus strand). VCF-style: chr17-50197184-G-T. GRCh37 (hg19) VCF-style: chr17-48274545-G-T.
Other names: short protein forms P249H.
Identifiers: ClinVar variation 2915039 (VCV002915039.3), dbSNP rs1907669544, ClinGen allele CA400224120.